The following is an entry in ClinVar:

ClinVar aggregate classification (germline): Uncertain significance. Review status: criteria provided, multiple submitters, no conflicts (2 of 4 stars). 2 submissions from 2 submitters: Uncertain significance (2). Last evaluated 2024-06-04.

Conditions:
Inborn genetic diseases. Identifiers: MedGen C0950123, MeSH D030342.
ACAN-related disorder. Also called: ACAN-related disorders; ACAN-related condition.

Allele frequency attached by ClinVar (database versions not stated): ExAC 0.00001.
gnomAD v4.1: 16 of 1,613,890 alleles (0.00099%); highest among the groups gnomAD compares: African/African-American, 0.02%; no homozygotes.

Submissions (2):

Ambry Genetics
Classification: Uncertain significance for Inborn genetic diseases. Last evaluated: 2024-06-04. Review status: criteria provided, single submitter. Criteria: Ambry Variant Classification Scheme 2023. Collection method: clinical testing. Allele origin: germline.

PreventionGenetics, part of Exact Sciences
Classification: Uncertain significance for ACAN-related condition. Last evaluated: 2023-07-18. Review status: criteria provided, single submitter. Criteria: ACMG Guidelines, 2015. Collection method: clinical testing. Allele origin: germline.
Comment: The ACAN c.5979G>T variant is predicted to result in the amino acid substitution p.Glu1993Asp. To our knowledge, this variant has not been reported in the literature. This variant is reported in 0.017% of alleles in individuals of African descent in gnomAD. At this time, the clinical significance of this variant is uncertain due to the absence of conclusive functional and genetic evidence.

NM_001369268.1(ACAN):c.5979G>T (p.Glu1993Asp)

Gene: ACAN (aggrecan; plus strand). Cytogenetic location: 15q26.1.
Variant type: single nucleotide variant.
Coding change: c.5979G>T on transcript NM_001369268.1 (MANE Select); coding-DNA position 5979, G replaced by T.
Protein change: p.Glu1993Asp; replaces glutamic acid 1993 with aspartic acid.
Molecular consequence: missense variant.
Genome position (GRCh38, 1-based): chr15:88,858,564, G>T. VCF-style: chr15-88858564-G-T. GRCh37 (hg19) VCF-style: chr15-89401795-G-T.
Other names: c.5979G>T, p.Glu1993Asp (NM_001135.4, NM_001411096.1, NM_001411097.1 and 1 more transcripts); short protein forms E1993D.
Identifiers: ClinVar variation 2629148 (VCV002629148.2), dbSNP rs774599873, ClinGen allele CA7720310.
Genomic context (GRCh38, chr15:88,858,564, plus strand): 5'-CATGTCTGGGGAGCATTCTGGATTTCTGGACCTAAGTGGGCTGCAGTCCGGGCTGATAGA[G>T]CCCAGCGGAGAGCCACCAGGTACTCCATATTTTAGTGGGGATTTTGCCAGCACCACCAAT-3'
Protein context (NP_001356197.1, residues 1983-2003): DLSGLQSGLI[Glu1993Asp]PSGEPPGTPY